The following is an entry in ClinVar:

ClinVar aggregate classification (germline): Uncertain significance. Review status: criteria provided, multiple submitters, no conflicts (2 of 4 stars). 3 submissions from 3 submitters: Uncertain significance (3). Last evaluated 2024-08-29.

Conditions:
Inborn genetic diseases. Identifiers: MedGen C0950123, MeSH D030342.

Allele frequency attached by ClinVar (database versions not stated): gnomAD 0.00004 and 0.00005; gnomAD exomes 0.00004 and 0.00011; TOPMed 0.00006; ExAC 0.00010.
gnomAD v4.1: 69 of 1,614,060 alleles (0.0043%); highest among the groups gnomAD compares: Admixed American, 0.057%; no homozygotes.

Submissions (3):

Athena Diagnostics
Classification: Uncertain significance. Last evaluated: 2024-08-29. Review status: criteria provided, single submitter. Criteria: Athena Diagnostics Criteria. Collection method: clinical testing. Allele origin: unknown.
Comment: Available data are insufficient to determine the clinical significance of the variant at this time. The frequency of this variant in the general population is higher than would generally be expected for pathogenic variants in this gene. Polyphen and MutationTaster predict this amino acid change may be benign.

Ambry Genetics
Classification: Uncertain significance for Inborn genetic diseases. Last evaluated: 2024-06-17. Review status: criteria provided, single submitter. Criteria: Ambry Variant Classification Scheme 2023. Collection method: clinical testing. Allele origin: germline.

Labcorp Genetics (formerly Invitae), Labcorp
Classification: Uncertain significance. Last evaluated: 2022-09-27. Review status: criteria provided, single submitter. Criteria: Invitae Variant Classification Sherloc (09022015). Collection method: clinical testing. Allele origin: germline.
Comment: This sequence change replaces asparagine, which is neutral and polar, with serine, which is neutral and polar, at codon 522 of the MTPAP protein (p.Asn522Ser). This variant is present in population databases (rs746540768, gnomAD 0.07%). This variant has not been reported in the literature in individuals affected with MTPAP-related conditions. ClinVar contains an entry for this variant (Variation ID: 1359213). Algorithms developed to predict the effect of missense changes on protein structure and function output the following: SIFT: "Tolerated"; PolyPhen-2: "Benign"; Align-GVGD: "Class C0". The serine amino acid residue is found in multiple mammalian species, which suggests that this missense change does not adversely affect protein function. Algorithms developed to predict the effect of sequence changes on RNA splicing suggest that this variant may create or strengthen a splice site. In summary, the available evidence is currently insufficient to determine the role of this variant in disease. Therefore, it has been classified as a Variant of Uncertain Significance.

NM_018109.4(MTPAP):c.1565A>G (p.Asn522Ser)

Gene: MTPAP (mitochondrial poly(A) polymerase; minus strand). Cytogenetic location: 10p11.23.
Variant type: single nucleotide variant.
Coding change: c.1565A>G on transcript NM_018109.4 (MANE Select); coding-DNA position 1565, A replaced by G.
Protein change: p.Asn522Ser; replaces asparagine 522 with serine.
Molecular consequence: missense variant.
Genome position (GRCh38, 1-based): chr10:30,313,793, T>C on the plus strand (A>G on the coding strand, the complement: MTPAP is on the minus strand). VCF-style: chr10-30313793-T-C. GRCh37 (hg19) VCF-style: chr10-30602722-T-C.
Other names: c.1565A>G (NM_018109.3); short protein forms N522S.
Identifiers: ClinVar variation 1359213 (VCV001359213.5), dbSNP rs746540768, ClinGen allele CA5458922.